The following is an entry in ClinVar:

ClinVar aggregate classification (germline): Uncertain significance (1 of 4 stars; one submission).

Conditions:
Jeune thoracic dystrophy. Also called: Short-rib thoracic dysplasia; Jeune syndrome; Infantile thoracic dystrophy; Thoracic pelvic phalangeal dystrophy; Jeune's syndrome; Chondroectodermal dysplasia-like syndrome. Identifiers: Orphanet 474, MedGen C0265275, MONDO:0018770.

Allele frequency attached by ClinVar (database versions not stated): gnomAD exomes below 0.00001.
gnomAD v4.1: 1 of 1,612,808 alleles (0.000062%); highest among the groups gnomAD compares: African/African-American, 0.0013%; no homozygotes.

Submission:

Labcorp Genetics (formerly Invitae), Labcorp
Classification: Uncertain significance for Jeune thoracic dystrophy. Last evaluated: 2024-05-20. Review status: criteria provided, single submitter. Criteria: Invitae Variant Classification Sherloc (09022015). Collection method: clinical testing. Allele origin: germline.
Comment: This sequence change replaces asparagine, which is neutral and polar, with lysine, which is basic and polar, at codon 64 of the DYNC2H1 protein (p.Asn64Lys). This variant is not present in population databases (gnomAD no frequency). This variant has not been reported in the literature in individuals affected with DYNC2H1-related conditions. ClinVar contains an entry for this variant (Variation ID: 2115130). Advanced modeling of protein sequence and biophysical properties (such as structural, functional, and spatial information, amino acid conservation, physicochemical variation, residue mobility, and thermodynamic stability) has been performed at Invitae for this missense variant, however the output from this modeling did not meet the statistical confidence thresholds required to predict the impact of this variant on DYNC2H1 protein function. In summary, the available evidence is currently insufficient to determine the role of this variant in disease. Therefore, it has been classified as a Variant of Uncertain Significance.

NM_001377.3(DYNC2H1):c.192C>G (p.Asn64Lys)

Gene: DYNC2H1 (dynein cytoplasmic 2 heavy chain 1; plus strand). Cytogenetic location: 11q22.3.
Variant type: single nucleotide variant.
Coding change: c.192C>G on transcript NM_001377.3 (MANE Select); coding-DNA position 192, C replaced by G.
Protein change: p.Asn64Lys; replaces asparagine 64 with lysine.
Molecular consequence: missense variant.
Genome position (GRCh38, 1-based): chr11:103,109,766, C>G. VCF-style: chr11-103109766-C-G. GRCh37 (hg19) VCF-style: chr11-102980495-C-G.
Other names: c.192C>G, p.Asn64Lys (NM_001080463.2); short protein forms N64K.
Identifiers: ClinVar variation 2115130 (VCV002115130.4), dbSNP rs1425544212, ClinGen allele CA382241464.